The following is an entry in ClinVar:

ClinVar aggregate classification (germline): Conflicting classifications of pathogenicity. Review status: criteria provided, conflicting classifications (1 of 4 stars). 8 submissions from 8 submitters: Uncertain significance (1); Benign (3); Likely benign (3). 1 of the submissions does not count toward it. Last evaluated 2026-01-11.

Conditions:
Melnick-Needles syndrome (MNS). Also called: MELNICK-NEEDLES OSTEODYSPLASTY; Melnick-Needles Syndrome (FLNA-MNS); OSTEODYSPLASTY OF MELNICK AND NEEDLES. Identifiers: Orphanet 2484, MedGen C0025237, MONDO:0010650, OMIM 309350.
Heterotopia, periventricular, X-linked dominant (PVNH1). Also called: PERIVENTRICULAR NODULAR HETEROTOPIA 4; HETEROTOPIA, PERIVENTRICULAR, 1; X-linked periventricular heterotopia; PERIVENTRICULAR NODULAR HETEROTOPIA 1. Identifiers: Orphanet 2149, Orphanet 82004, MedGen C1848213, MONDO:0010233, OMIM 300049.
Oto-palato-digital syndrome, type II (OPD2). Also called: FACIOPALATOOSSEOUS SYNDROME; Otopalatodigital Syndrome, Type II; Otopalatodigital Syndrome Type 2 (FLNA-OPD2); OPD II SYNDROME. Identifiers: Orphanet 669, Orphanet 90652, MedGen C1844696, MONDO:0010571, OMIM 304120.
Frontometaphyseal dysplasia (FMD1). Identifiers: Orphanet 1826, MedGen C0265293, MONDO:0015942.
FLNA-related disorder.
Familial thoracic aortic aneurysm and aortic dissection (TAAD). Also called: Thoracic aortic aneurysms and dissections. Identifiers: Orphanet 91387, MedGen C4707243, MONDO:0019625.

Allele frequency attached by ClinVar (database versions not stated): TOPMed 0.00004; gnomAD 0.00005 and 0.00009; gnomAD exomes 0.00008 and 0.00017; 1000 Genomes Project 30x 0.00021; ExAC 0.00025; 1000 Genomes Project 0.00026.
gnomAD v4.1: 99 of 1,210,320 alleles (0.0082%); highest among the groups gnomAD compares: South Asian, 0.13%; 2 homozygotes.

Submissions (8):

Labcorp Genetics (formerly Invitae), Labcorp
Classification: Benign for Oto-palato-digital syndrome, type II; Heterotopia, periventricular, X-linked dominant; Frontometaphyseal dysplasia; Melnick-Needles syndrome. Last evaluated: 2026-01-11. Review status: criteria provided, single submitter. Criteria: Invitae Variant Classification Sherloc (09022015). Collection method: clinical testing. Allele origin: germline.

Mayo Clinic Laboratories, Mayo Clinic
Classification: Benign. Last evaluated: 2025-10-09. Review status: criteria provided, single submitter. Criteria: ACMG Guidelines, 2015. Collection method: clinical testing. Allele origin: germline. Observed: 1 variant allele.
Comment: BS1, BS2, PP2

Blueprint Genetics
Classification: Likely benign. Last evaluated: 2023-09-19. Review status: criteria provided, single submitter. Criteria: ACMG Guidelines, 2015. Collection method: clinical testing. Allele origin: germline.

CeGaT Center for Human Genetics Tuebingen
Classification: Likely benign. Last evaluated: 2023-04-01. Review status: criteria provided, single submitter. Criteria: CeGaT Center For Human Genetics Tuebingen Variant Classification Criteria Version 2. Collection method: clinical testing. Allele origin: germline. Affected: yes. Observed: 1 variant allele.
Comment: FLNA: PP2, BS2

GeneDx
Classification: Likely benign. Last evaluated: 2020-10-16. Review status: criteria provided, single submitter. Criteria: GeneDx Variant Classification Process June 2021. Collection method: clinical testing. Allele origin: germline. Affected: yes.

ARUP Laboratories, Molecular Genetics and Genomics, ARUP Laboratories
Classification: Uncertain significance. Last evaluated: 2018-03-01. Review status: criteria provided, single submitter. Criteria: ARUP Molecular Germline Variant Investigation Process. Collection method: clinical testing. Allele origin: germline.
Comment: The FLNA c.7043G>A; p.Ser2348Asn variant (rs782739586), to our knowledge, is not reported in the medical literature, gene specific variation databases, nor has it been previously identified by our laboratory. This variant is listed in the genome Aggregation Database (gnomAD) with an overall population frequency of 0.02% (identified on 31 out of 178,760 chromosomes, including 16 hemizygotes). The serine at position 2348 is highly conserved, considering 10 species, and computational analyses of the effects of the p.Ser2348Asn variant on protein structure and function do not predict a deleterious effect (SIFT: tolerated, PolyPhen-2: benign). Based on the available information, the clinical significance of the p.Ser2348Asn variant cannot be determined with certainty.

Ambry Genetics
Classification: Benign for Familial thoracic aortic aneurysm and aortic dissection. Last evaluated: 2017-12-26. Review status: criteria provided, single submitter. Criteria: Ambry Variant Classification Scheme 2023. Collection method: clinical testing. Allele origin: germline.

PreventionGenetics, part of Exact Sciences
Classification: Benign for FLNA-related condition. Last evaluated: 2020-07-30. Review status: no assertion criteria provided. Collection method: clinical testing. Allele origin: germline. Not counted in ClinVar's aggregate classification.
Comment: This variant is classified as benign based on ACMG/AMP sequence variant interpretation guidelines (Richards et al. 2015 PMID: 25741868, with internal and published modifications).

NM_001110556.2(FLNA):c.7067G>A (p.Ser2356Asn)

Gene: FLNA (filamin A; minus strand). Cytogenetic location: Xq28.
Variant type: single nucleotide variant.
Coding change: c.7067G>A on transcript NM_001110556.2 (MANE Select); coding-DNA position 7067, G replaced by A.
Protein change: p.Ser2356Asn; replaces serine 2356 with asparagine.
Molecular consequence: missense variant.
Genome position (GRCh38, 1-based): chrX:154,350,998, C>T on the plus strand (G>A on the coding strand, the complement: FLNA is on the minus strand). VCF-style: chrX-154350998-C-T. GRCh37 (hg19) VCF-style: chrX-153579366-C-T.
Other names: p.S2348N:AGC>AAC; c.7043G>A, p.Ser2348Asn (NM_001456.4); c.7067G>A (NM_001110556.1); short protein forms S2348N, S2356N.
Identifiers: ClinVar variation 213509 (VCV000213509.51), dbSNP rs782739586, ClinGen allele CA323932.